The following is an entry in ClinVar:

NM_001939.3(DRP2):c.224A>T (p.Glu75Val)

Gene: DRP2 (dystrophin related protein 2; plus strand). Cytogenetic location: Xq22.1.
Variant type: single nucleotide variant.
Coding change: c.224A>T on transcript NM_001939.3 (MANE Select); coding-DNA position 224, A replaced by T.
Protein change: p.Glu75Val; replaces glutamic acid 75 with valine.
Molecular consequence: missense variant. On other transcripts: 5 prime UTR variant (1).
Genome position (GRCh38, 1-based): chrX:101,235,966, A>T. VCF-style: chrX-101235966-A-T. GRCh37 (hg19) VCF-style: chrX-100490955-A-T.
Other names: c.-11A>T (NM_001171184.2); short protein forms E75V.
Identifiers: ClinVar variation 3771112 (VCV003771112.13).

ClinVar aggregate classification (germline): Likely benign (1 of 4 stars; one submission).

gnomAD v4.1: 2 of 1,212,012 alleles (0.00017%); highest among the groups gnomAD compares: Non-Finnish European, 0.00011%; no homozygotes.

Submission:

CeGaT Center for Human Genetics Tuebingen
Classification: Likely benign. Last evaluated: 2024-12-01. Review status: criteria provided, single submitter. Criteria: CeGaT Center For Human Genetics Tuebingen Variant Classification Criteria Version 2. Collection method: clinical testing. Allele origin: germline. Affected: yes. Observed: 1 variant allele.
Comment: DRP2: BP4